The following is an entry in ClinVar:

ClinVar aggregate classification (germline): Uncertain significance (1 of 4 stars; one submission).

Conditions:
Inborn genetic diseases. Identifiers: MedGen C0950123, MeSH D030342.

Submission:

Ambry Genetics
Classification: Uncertain significance for Inborn genetic diseases. Last evaluated: 2025-01-20. Review status: criteria provided, single submitter. Criteria: Ambry Variant Classification Scheme 2023. Collection method: clinical testing. Allele origin: germline.
Comment: The p.S1064G variant (also known as c.3190A>G), located in coding exon 14 of the FANCM gene, results from an A to G substitution at nucleotide position 3190. The serine at codon 1064 is replaced by glycine, an amino acid with similar properties. This amino acid position is conserved. In addition, this alteration is predicted to be tolerated by in silico analysis. Based on the available evidence, the clinical significance of this variant remains unclear.

NM_020937.4(FANCM):c.3190A>G (p.Ser1064Gly)

Gene: FANCM (FA complementation group M; plus strand). Cytogenetic location: 14q21.2.
Variant type: single nucleotide variant.
Coding change: c.3190A>G on transcript NM_020937.4 (MANE Select); coding-DNA position 3190, A replaced by G.
Protein change: p.Ser1064Gly; replaces serine 1064 with glycine.
Molecular consequence: missense variant.
Genome position (GRCh38, 1-based): chr14:45,175,944, A>G. VCF-style: chr14-45175944-A-G. GRCh37 (hg19) VCF-style: chr14-45645147-A-G.
Other names: c.3112A>G, p.Ser1038Gly (NM_001308133.2); short protein forms S1038G, S1064G.
Identifiers: ClinVar variation 3848646 (VCV003848646.1).